The following is an entry in ClinVar:

ClinVar aggregate classification (germline): Uncertain significance (1 of 4 stars; one submission).

Submission:

Labcorp Genetics (formerly Invitae), Labcorp
Classification: Uncertain significance. Last evaluated: 2023-06-29. Review status: criteria provided, single submitter. Criteria: Invitae Variant Classification Sherloc (09022015). Collection method: clinical testing. Allele origin: germline.
Comment: In summary, the available evidence is currently insufficient to determine the role of this variant in disease. Therefore, it has been classified as a Variant of Uncertain Significance. This sequence change replaces leucine, which is neutral and non-polar, with phenylalanine, which is neutral and non-polar, at codon 1581 of the COL11A2 protein (p.Leu1581Phe). This variant is not present in population databases (gnomAD no frequency). This variant has not been reported in the literature in individuals affected with COL11A2-related conditions. Advanced modeling of protein sequence and biophysical properties (such as structural, functional, and spatial information, amino acid conservation, physicochemical variation, residue mobility, and thermodynamic stability) performed at Invitae indicates that this missense variant is not expected to disrupt COL11A2 protein function.

NM_080680.3(COL11A2):c.4741C>T (p.Leu1581Phe)

Gene: COL11A2 (collagen type XI alpha 2 chain; minus strand). Cytogenetic location: 6p21.32.
Variant type: single nucleotide variant.
Coding change: c.4741C>T on transcript NM_080680.3 (MANE Select); coding-DNA position 4741, C replaced by T.
Protein change: p.Leu1581Phe; replaces leucine 1581 with phenylalanine.
Molecular consequence: missense variant.
Genome position (GRCh38, 1-based): chr6:33,165,558, G>A on the plus strand (C>T on the coding strand, the complement: COL11A2 is on the minus strand). VCF-style: chr6-33165558-G-A. GRCh37 (hg19) VCF-style: chr6-33133335-G-A.
Other names: c.4561C>T, p.Leu1521Phe (NM_001424108.1); c.3895C>T, p.Leu1299Phe (NM_001424109.1); c.3715C>T, p.Leu1239Phe (NM_001424110.1, NM_001424111.1); c.2695C>T, p.Leu899Phe (NM_001424112.1); c.4420C>T, p.Leu1474Phe (NM_080679.3); c.4483C>T, p.Leu1495Phe (NM_080681.3); short protein forms L1299F, L1474F, L1239F, L1521F, L899F, L1495F, L1581F.
Identifiers: ClinVar variation 2733363 (VCV002733363.3), dbSNP rs779052773, ClinGen allele CA363618081.
Genomic context (GRCh38, chr6:33,165,558, plus strand): 5'-AGTACCCATGCTGTTGGGGAGATGTTTGTGCACCCTGAGGCTAGCACTGACCATCGGGAA[G>A]CTCTGGGTGGCACAGCTTCAGGTCCTGGCAGGTGCGAGCAGGGCTGTCCTGGGTCCCTGT-3'
Protein context (NP_542411.2, residues 1571-1591): CQDLKLCHPE[Leu1581Phe]PDGEYWVDPN